The following is an entry in ClinVar:

NM_001358530.2(MOCS1):c.863C>T (p.Thr288Ile)

Gene: MOCS1 (molybdenum cofactor synthesis 1; minus strand). Cytogenetic location: 6p21.2.
Variant type: single nucleotide variant.
Coding change: c.863C>T on transcript NM_001358530.2 (MANE Select); coding-DNA position 863, C replaced by T.
Protein change: p.Thr288Ile; replaces threonine 288 with isoleucine.
Molecular consequence: missense variant. On other transcripts: non-coding transcript variant (1).
Genome position (GRCh38, 1-based): chr6:39,912,899, G>A on the plus strand (C>T on the coding strand, the complement: MOCS1 is on the minus strand). VCF-style: chr6-39912899-G-A. GRCh37 (hg19) VCF-style: chr6-39880643-G-A.
Other names: c.863C>T, p.Thr288Ile (NM_001075098.4, NM_001358529.2, NM_005943.6); c.602C>T, p.Thr201Ile (NM_001358531.2, NM_001358533.2, NM_001358534.2); c.863C>T (NM_005943.5); short protein forms T201I, T288I.
Identifiers: ClinVar variation 1440414 (VCV001440414.5), dbSNP rs769378717, ClinGen allele CA3796135.
Genomic context (GRCh38, chr6:39,912,899, plus strand): 5'-GGTGGAGGTACGACCTTCCTCCAGGCCTGCCCCACACCCTCCTGCTCCCTAACCTTGGCT[G>A]TGCTGGATTCCTCCTCTGGCACCTTCTCCAGCTCTGGCCACTGCTGCCGGACAGTGTCTA-3'
Protein context (NP_001345459.1, residues 278-298): LEKVPEEESS[Thr288Ile]AKAFKIPGFQ

ClinVar aggregate classification (germline): Uncertain significance. Review status: criteria provided, multiple submitters, no conflicts (2 of 4 stars). 3 submissions from 3 submitters: Uncertain significance (3). Last evaluated 2024-11-14.

Conditions:
Inborn genetic diseases. Identifiers: MedGen C0950123, MeSH D030342.
Sulfite oxidase deficiency due to molybdenum cofactor deficiency type A. Also called: Molybdenum Cofactor Deficiency A; Molybdenum cofactor deficiency, complementation group A. Identifiers: Orphanet 308386, Orphanet 833, MedGen C1854988, MONDO:0009643, OMIM 252150.

Allele frequency attached by ClinVar (database versions not stated): ExAC 0.00001; gnomAD exomes 0.00001; TOPMed 0.00001.
gnomAD v4.1: 20 of 1,613,960 alleles (0.0012%); highest among the groups gnomAD compares: Non-Finnish European, 0.0015%; no homozygotes.

Submissions (3):

Ambry Genetics
Classification: Uncertain significance for Inborn genetic diseases. Last evaluated: 2024-11-14. Review status: criteria provided, single submitter. Criteria: Ambry Variant Classification Scheme 2023. Collection method: clinical testing. Allele origin: germline.

Fulgent Genetics
Classification: Uncertain significance for Sulfite oxidase deficiency due to molybdenum cofactor deficiency type A. Last evaluated: 2024-05-14. Review status: criteria provided, single submitter. Criteria: ACMG Guidelines, 2015. Collection method: clinical testing. Allele origin: germline.

Labcorp Genetics (formerly Invitae), Labcorp
Classification: Uncertain significance for Sulfite oxidase deficiency due to molybdenum cofactor deficiency type A. Last evaluated: 2022-06-13. Review status: criteria provided, single submitter. Criteria: Invitae Variant Classification Sherloc (09022015). Collection method: clinical testing. Allele origin: germline.
Comment: This sequence change replaces threonine, which is neutral and polar, with isoleucine, which is neutral and non-polar, at codon 288 of the MOCS1 protein (p.Thr288Ile). This variant is present in population databases (rs769378717, gnomAD 0.002%). This variant has not been reported in the literature in individuals affected with MOCS1-related conditions. Algorithms developed to predict the effect of missense changes on protein structure and function are either unavailable or do not agree on the potential impact of this missense change (SIFT: "Not Available"; PolyPhen-2: "Probably Damaging"; Align-GVGD: "Not Available"). In summary, the available evidence is currently insufficient to determine the role of this variant in disease. Therefore, it has been classified as a Variant of Uncertain Significance.